The following is an entry in ClinVar:

NM_020937.4(FANCM):c.2563A>G (p.Lys855Glu)

Gene: FANCM (FA complementation group M; plus strand). Cytogenetic location: 14q21.2.
Variant type: single nucleotide variant.
Coding change: c.2563A>G on transcript NM_020937.4 (MANE Select); coding-DNA position 2563, A replaced by G.
Protein change: p.Lys855Glu; replaces lysine 855 with glutamic acid.
Molecular consequence: missense variant.
Genome position (GRCh38, 1-based): chr14:45,175,317, A>G. VCF-style: chr14-45175317-A-G. GRCh37 (hg19) VCF-style: chr14-45644520-A-G.
Other names: c.2485A>G, p.Lys829Glu (NM_001308133.2); c.2563A>G (NM_020937.3); short protein forms K829E, K855E.
Identifiers: ClinVar variation 2169114 (VCV002169114.6), dbSNP rs1246887454, ClinGen allele CA389598120.

ClinVar aggregate classification (germline): Uncertain significance. Review status: criteria provided, multiple submitters, no conflicts (2 of 4 stars). 3 submissions from 3 submitters: Uncertain significance (3). Last evaluated 2025-11-07.

Conditions:
Inborn genetic diseases. Identifiers: MedGen C0950123, MeSH D030342.
Fanconi anemia (FA). Also called: Fanconi's anemia. Identifiers: Orphanet 84, MedGen C0015625, MeSH D005199, MONDO:0019391.

Allele frequency attached by ClinVar (database versions not stated): gnomAD exomes below 0.00001.

Submissions (3):

Quest Diagnostics Nichols Institute San Juan Capistrano
Classification: Uncertain significance. Last evaluated: 2025-11-07. Review status: criteria provided, single submitter. Criteria: Quest Diagnostics criteria. Collection method: clinical testing. Allele origin: unknown.
Comment: The FANCM c.2563A>G (p.Lys855Glu) variant has not been reported in individuals with FANCM-related conditions in the published literature. The frequency of this variant in the general population (Genome Aggregation Database) is uninformative in the assessment of its pathogenicity. Analysis of this variant using bioinformatics tools for the prediction of the effect of amino acid changes on protein structure and function yielded predictions that this variant is benign. Additional analysis using software algorithms for the prediction of the effect of nucleotide changes on FANCM mRNA splicing yielded predictions that this variant may result in the gain of a cryptic splice site without affecting the natural splice sites. Based on the available information, we are unable to determine the clinical significance of this variant.

Labcorp Genetics (formerly Invitae), Labcorp
Classification: Uncertain significance for Fanconi anemia. Last evaluated: 2025-03-24. Review status: criteria provided, single submitter. Criteria: Invitae Variant Classification Sherloc (09022015). Collection method: clinical testing. Allele origin: germline.
Comment: This sequence change replaces lysine, which is basic and polar, with glutamic acid, which is acidic and polar, at codon 855 of the FANCM protein (p.Lys855Glu). The frequency data for this variant in the population databases is considered unreliable, as metrics indicate poor data quality at this position in the gnomAD database. This variant has not been reported in the literature in individuals affected with FANCM-related conditions. ClinVar contains an entry for this variant (Variation ID: 2169114). An algorithm developed to predict the effect of missense changes on protein structure and function outputs the following: PolyPhen-2: "Benign". The glutamic acid amino acid residue is found in multiple mammalian species, which suggests that this missense change does not adversely affect protein function. In summary, the available evidence is currently insufficient to determine the role of this variant in disease. Therefore, it has been classified as a Variant of Uncertain Significance.

Ambry Genetics
Classification: Uncertain significance for Inborn genetic diseases. Last evaluated: 2025-01-05. Review status: criteria provided, single submitter. Criteria: Ambry Variant Classification Scheme 2023. Collection method: clinical testing. Allele origin: germline.
Comment: The p.K855E variant (also known as c.2563A>G), located in coding exon 14 of the FANCM gene, results from an A to G substitution at nucleotide position 2563. The lysine at codon 855 is replaced by glutamic acid, an amino acid with similar properties. This amino acid position is conserved. In addition, this alteration is predicted to be tolerated by in silico analysis. Based on the available evidence, the clinical significance of this variant remains unclear.